The following is an entry in ClinVar:

NM_000891.3(KCNJ2):c.261C>G (p.Ile87Met)

Gene: KCNJ2 (potassium inwardly rectifying channel subfamily J member 2; plus strand). Cytogenetic location: 17q24.3.
Variant type: single nucleotide variant.
Coding change: c.261C>G on transcript NM_000891.3 (MANE Select); coding-DNA position 261, C replaced by G.
Protein change: p.Ile87Met; replaces isoleucine 87 with methionine.
Molecular consequence: missense variant.
Genome position (GRCh38, 1-based): chr17:70,175,300, C>G. VCF-style: chr17-70175300-C-G. GRCh37 (hg19) VCF-style: chr17-68171441-C-G.
Other names: short protein forms I87M.
Identifiers: ClinVar variation 2944292 (VCV002944292.3), dbSNP rs1166497262, ClinGen allele CA400860214.

ClinVar aggregate classification (germline): Uncertain significance (1 of 4 stars; one submission).

Conditions:
Andersen Tawil syndrome (LQT7). Also called: ANDERSEN CARDIODYSRHYTHMIC PERIODIC PARALYSIS; LONG QT SYNDROME 7; PERIODIC PARALYSIS, POTASSIUM-SENSITIVE CARDIODYSRHYTHMIC TYPE; Andersen Syndrome; Potassium-sensitive periodic paralysis, ventricular ectopy, and dysmorphic features. Identifiers: Orphanet 37553, MedGen C1563715, MONDO:0008222, OMIM 170390.
Short QT syndrome type 3. Identifiers: Orphanet 51083, MedGen C1865018, MONDO:0012314, OMIM 609622.

Submission:

Labcorp Genetics (formerly Invitae), Labcorp
Classification: Uncertain significance for Short QT syndrome type 3; Andersen Tawil syndrome. Last evaluated: 2023-02-14. Review status: criteria provided, single submitter. Criteria: Invitae Variant Classification Sherloc (09022015). Collection method: clinical testing. Allele origin: germline.
Comment: This sequence change replaces isoleucine, which is neutral and non-polar, with methionine, which is neutral and non-polar, at codon 87 of the KCNJ2 protein (p.Ile87Met). In summary, the available evidence is currently insufficient to determine the role of this variant in disease. Therefore, it has been classified as a Variant of Uncertain Significance. Advanced modeling of protein sequence and biophysical properties (such as structural, functional, and spatial information, amino acid conservation, physicochemical variation, residue mobility, and thermodynamic stability) performed at Invitae indicates that this missense variant is not expected to disrupt KCNJ2 protein function. This variant has not been reported in the literature in individuals affected with KCNJ2-related conditions. This variant is not present in population databases (gnomAD no frequency).